The following is an entry in ClinVar:

NM_018127.7(ELAC2):c.1378G>A (p.Val460Met)

Gene: ELAC2 (elaC ribonuclease Z 2; minus strand). Cytogenetic location: 17p12.
Variant type: single nucleotide variant.
Coding change: c.1378G>A on transcript NM_018127.7 (MANE Select); coding-DNA position 1378, G replaced by A.
Protein change: p.Val460Met; replaces valine 460 with methionine.
Molecular consequence: missense variant.
Genome position (GRCh38, 1-based): chr17:13,000,201, C>T on the plus strand (G>A on the coding strand, the complement: ELAC2 is on the minus strand). VCF-style: chr17-13000201-C-T. GRCh37 (hg19) VCF-style: chr17-12903518-C-T.
Other names: c.1258G>A, p.Val420Met (NM_001165962.2); c.1375G>A, p.Val459Met (NM_173717.2); short protein forms V459M, V420M, V460M.
Identifiers: ClinVar variation 813705 (VCV000813705.4), dbSNP rs775449483, ClinGen allele CA8401231.

ClinVar aggregate classification (germline): Uncertain significance. Review status: criteria provided, single submitter (1 of 4 stars). 2 submissions from 2 submitters: Uncertain significance (1). 1 of the submissions does not count toward it. Last evaluated 2022-07-17.

Conditions:
Combined oxidative phosphorylation defect type 17. Also called: Combined oxidative phosphorylation deficiency 17. Identifiers: Orphanet 369913, MedGen C3809526, MONDO:0014190, OMIM 615440.
Microcephaly. Also called: Microcephaly (disease). Identifiers: MedGen C4551563, MONDO:0001149, HP:0000252.

Allele frequency attached by ClinVar (database versions not stated): TOPMed 0.00001; gnomAD 0.00003 and 0.00004; ExAC 0.00007; gnomAD exomes 0.00007.
gnomAD v4.1: 48 of 1,613,956 alleles (0.003%); highest among the groups gnomAD compares: East Asian, 0.051%; no homozygotes.

Submissions (2):

Labcorp Genetics (formerly Invitae), Labcorp
Classification: Uncertain significance for Combined oxidative phosphorylation defect type 17. Last evaluated: 2022-07-17. Review status: criteria provided, single submitter. Criteria: Invitae Variant Classification Sherloc (09022015). Collection method: clinical testing. Allele origin: germline.
Comment: In summary, the available evidence is currently insufficient to determine the role of this variant in disease. Therefore, it has been classified as a Variant of Uncertain Significance. Algorithms developed to predict the effect of missense changes on protein structure and function (SIFT, PolyPhen-2, Align-GVGD) all suggest that this variant is likely to be tolerated. ClinVar contains an entry for this variant (Variation ID: 813705). This variant has not been reported in the literature in individuals affected with ELAC2-related conditions. This variant is present in population databases (rs775449483, gnomAD 0.06%). This sequence change replaces valine, which is neutral and non-polar, with methionine, which is neutral and non-polar, at codon 460 of the ELAC2 protein (p.Val460Met).

Department of Pediatrics, Samsung Medical Center, Samsung Medical Center
Classification: Uncertain significance for Microcephaly. Review status: no assertion criteria provided. Criteria: ACMG Guidelines, 2015. Collection method: research. Allele origin: germline. Affected: yes. Not counted in ClinVar's aggregate classification.